The following is an entry in ClinVar:

NM_182916.3(TRNT1):c.1228C>T (p.Gln410Ter)

Gene: TRNT1 (tRNA nucleotidyl transferase 1; plus strand). Cytogenetic location: 3p26.2.
Variant type: single nucleotide variant.
Coding change: c.1228C>T on transcript NM_182916.3 (MANE Select); coding-DNA position 1228, C replaced by T.
Protein change: p.Gln410Ter; replaces glutamine 410 with a stop codon.
Molecular consequence: nonsense. On other transcripts: non-coding transcript variant (8).
Genome position (GRCh38, 1-based): chr3:3,148,077, C>T. VCF-style: chr3-3148077-C-T. GRCh37 (hg19) VCF-style: chr3-3189761-C-T.
Other names: c.1168C>T, p.Gln390Ter (NM_001302946.2); c.1228C>T, p.Gln410Ter (NM_001367321.1, NM_001367322.1, NM_001367323.1); short protein forms Q390*, Q410*.
Identifiers: ClinVar variation 2834290 (VCV002834290.3), dbSNP rs1435820637, ClinGen allele CA351449080.
Genomic context (GRCh38, chr3:3,148,077, plus strand): 5'-GGCCATGACATCAGAAAAGTGGGCATTTCTTCAGGAAAAGAAATTGGGGCTCTATTACAA[C>T]AGTTGCGAGAACAGTGGAAAAAAAGTGGTTACCAAATGGAAAAAGATGAACTTCTGAGTT-3'

ClinVar aggregate classification (germline): Pathogenic (1 of 4 stars; one submission).

Conditions:
Congenital sideroblastic anemia-B-cell immunodeficiency-periodic fever-developmental delay syndrome. Also called: Sideroblastic anemia with B-cell immunodeficiency, periodic fevers, and developmental delay. Identifiers: Orphanet 369861, MedGen C4015172, MONDO:0014487, OMIM 616084.

Allele frequency attached by ClinVar (database versions not stated): TOPMed 0.00001.

Submission:

Labcorp Genetics (formerly Invitae), Labcorp
Classification: Pathogenic for Congenital sideroblastic anemia-B-cell immunodeficiency-periodic fever-developmental delay syndrome. Last evaluated: 2023-02-03. Review status: criteria provided, single submitter. Criteria: Invitae Variant Classification Sherloc (09022015). Collection method: clinical testing. Allele origin: germline.
Comment: For these reasons, this variant has been classified as Pathogenic. This sequence change creates a premature translational stop signal (p.Gln410*) in the TRNT1 gene. While this is not anticipated to result in nonsense mediated decay, it is expected to disrupt the last 25 amino acid(s) of the TRNT1 protein. This variant is not present in population databases (gnomAD no frequency). This variant has not been reported in the literature in individuals affected with TRNT1-related conditions. This variant disrupts a region of the TRNT1 protein in which other variant(s) (p.Ser418Lysfs*9) have been determined to be pathogenic (PMID: 25193871, 26494905, 29358286; Invitae). This suggests that this is a clinically significant region of the protein, and that variants that disrupt it are likely to be disease-causing.

Literature cited by the submitters: PubMed 25193871; PubMed 26494905; PubMed 29358286.